The following is an entry in ClinVar:

NM_001037333.3(CYFIP2):c.2024A>G (p.Tyr675Cys)

Gene: CYFIP2 (cytoplasmic FMR1 interacting protein 2; plus strand). Cytogenetic location: 5q33.3.
Variant type: single nucleotide variant.
Coding change: c.2024A>G on transcript NM_001037333.3 (MANE Select); coding-DNA position 2024, A replaced by G.
Protein change: p.Tyr675Cys; replaces tyrosine 675 with cysteine.
Molecular consequence: missense variant.
Genome position (GRCh38, 1-based): chr5:157,326,212, A>G. VCF-style: chr5-157326212-A-G. GRCh37 (hg19) VCF-style: chr5-156753220-A-G.
Other names: c.1946A>G, p.Tyr649Cys (NM_001291721.2); c.2099A>G, p.Tyr700Cys (NM_001291722.2); c.2024A>G, p.Tyr675Cys (NM_014376.4); short protein forms Y649C, Y675C, Y700C.
Identifiers: ClinVar variation 3901936 (VCV003901936.2).

ClinVar aggregate classification (germline): Uncertain significance. Review status: criteria provided, multiple submitters, no conflicts (2 of 4 stars). 2 submissions from 2 submitters: Uncertain significance (2). Last evaluated 2025-06-12.

Conditions:
Developmental and epileptic encephalopathy, 65. Also called: EPILEPTIC ENCEPHALOPATHY, EARLY INFANTILE, 65. Identifiers: MedGen C4693925, MONDO:0033374, OMIM 618008.

gnomAD v4.1: 1 of 1,614,036 alleles (0.000062%); highest among the groups gnomAD compares: Non-Finnish European, 0.000085%; no homozygotes.

Submissions (2):

Labcorp Genetics (formerly Invitae), Labcorp
Classification: Uncertain significance. Last evaluated: 2025-06-12. Review status: criteria provided, single submitter. Criteria: Invitae Variant Classification Sherloc (09022015). Collection method: clinical testing. Allele origin: germline.
Comment: This sequence change replaces tyrosine, which is neutral and polar, with cysteine, which is neutral and slightly polar, at codon 675 of the CYFIP2 protein (p.Tyr675Cys). This variant is not present in population databases (gnomAD no frequency). This variant has not been reported in the literature in individuals affected with CYFIP2-related conditions. Experimental studies and prediction algorithms are not available or were not evaluated, and the functional significance of this variant is currently unknown. In summary, the available evidence is currently insufficient to determine the role of this variant in disease. Therefore, it has been classified as a Variant of Uncertain Significance.

Laboratorio de Genetica e Diagnostico Molecular, Hospital Israelita Albert Einstein
Classification: Uncertain significance for Developmental and epileptic encephalopathy, 65. Last evaluated: 2024-10-11. Review status: criteria provided, single submitter. Criteria: ACMG Guidelines, 2015. Collection method: clinical testing. Allele origin: germline. Affected: yes.
Comment: ACMG classification criteria: PM2 supporting, PP2 supporting